The following is an entry in ClinVar:

NM_024753.5(TTC21B):c.1273A>G (p.Thr425Ala)

Gene: TTC21B (tetratricopeptide repeat domain 21B; minus strand). Cytogenetic location: 2q24.3.
Variant type: single nucleotide variant.
Coding change: c.1273A>G on transcript NM_024753.5 (MANE Select); coding-DNA position 1273, A replaced by G.
Protein change: p.Thr425Ala; replaces threonine 425 with alanine.
Molecular consequence: missense variant.
Genome position (GRCh38, 1-based): chr2:165,929,248, T>C on the plus strand (A>G on the coding strand, the complement: TTC21B is on the minus strand). VCF-style: chr2-165929248-T-C. GRCh37 (hg19) VCF-style: chr2-166785758-T-C.
Other names: c.1273A>G (NM_024753.4); short protein forms T425A.
Identifiers: ClinVar variation 2122512 (VCV002122512.6), dbSNP rs1046102532, ClinGen allele CA349065157.

ClinVar aggregate classification (germline): Uncertain significance. Review status: criteria provided, multiple submitters, no conflicts (2 of 4 stars). 2 submissions from 2 submitters: Uncertain significance (2). Last evaluated 2026-02-10.

Conditions:
TTC21B-related disorder. Also called: TTC21B-related condition; TTC21B-related disorders.
Nephronophthisis 12 (NPHP12). Identifiers: Orphanet 655, MedGen C3151186, MONDO:0013442, OMIM 613820.
Asphyxiating thoracic dystrophy 4 (SRTD4). Also called: SHORT-RIB THORACIC DYSPLASIA 4 WITH OR WITHOUT POLYDACTYLY; SHORT-RIB THORACIC DYSPLASIA 4. Identifiers: Orphanet 474, MedGen C3151185, MONDO:0013441, OMIM 613819.
Jeune thoracic dystrophy. Also called: Short-rib thoracic dysplasia; Jeune syndrome; Infantile thoracic dystrophy; Thoracic pelvic phalangeal dystrophy; Jeune's syndrome; Chondroectodermal dysplasia-like syndrome. Identifiers: Orphanet 474, MedGen C0265275, MONDO:0018770.
Nephronophthisis. Also called: Juvenile Nephronophthisis. Identifiers: Orphanet 655, MedGen C0687120, MONDO:0019005, HP:0000090.

Allele frequency attached by ClinVar (database versions not stated): gnomAD exomes 0.00001.

Submissions (2):

PreventionGenetics, part of Exact Sciences
Classification: Uncertain significance for TTC21B-related condition. Last evaluated: 2026-02-10. Review status: criteria provided, single submitter. Criteria: ACMG Guidelines, 2015. Collection method: clinical testing. Allele origin: germline.
Comment: The TTC21B c.1273A>G variant is predicted to result in the amino acid substitution p.Thr425Ala. To our knowledge, this variant has not been reported in the literature or in a large population database (gnomAD), indicating this variant is rare. At this time, the clinical significance of this variant is uncertain due to the absence of conclusive functional and genetic evidence.

Labcorp Genetics (formerly Invitae), Labcorp
Classification: Uncertain significance for Jeune thoracic dystrophy; Nephronophthisis. Last evaluated: 2022-06-11. Review status: criteria provided, single submitter. Criteria: Invitae Variant Classification Sherloc (09022015). Collection method: clinical testing. Allele origin: germline.
Comment: In summary, the available evidence is currently insufficient to determine the role of this variant in disease. Therefore, it has been classified as a Variant of Uncertain Significance. Algorithms developed to predict the effect of missense changes on protein structure and function (SIFT, PolyPhen-2, Align-GVGD) all suggest that this variant is likely to be tolerated. This variant has not been reported in the literature in individuals affected with TTC21B-related conditions. This variant is not present in population databases (gnomAD no frequency). This sequence change replaces threonine, which is neutral and polar, with alanine, which is neutral and non-polar, at codon 425 of the TTC21B protein (p.Thr425Ala).